The following is an entry in ClinVar:

ClinVar aggregate classification (germline): Uncertain significance. Review status: criteria provided, multiple submitters, no conflicts (2 of 4 stars). 2 submissions from 2 submitters: Uncertain significance (2). Last evaluated 2025-05-27.

Conditions:
Hereditary cancer-predisposing syndrome. Also called: Neoplastic Syndromes, Hereditary; Hereditary Cancer Syndrome; Hereditary neoplastic syndrome; Tumor predisposition. Identifiers: Orphanet 140162, MedGen C0027672, MeSH D009386, MONDO:0015356.
Cardiovascular phenotype. Identifiers: MedGen CN230736.
Neurofibromatosis, type 1 (NF1). Also called: NEUROFIBROMATOSIS, TYPE I, SOMATIC; VON RECKLINGHAUSEN DISEASE; Neurofibromatosis, type I; Peripheral type neurofibromatosis. Identifiers: Orphanet 636, MedGen C0027831, MONDO:0018975, OMIM 162200. Disease mechanism: loss of function.

Allele frequency attached by ClinVar (database versions not stated): gnomAD exomes below 0.00001.
gnomAD v4.1: 2 of 1,613,386 alleles (0.00012%); highest among the groups gnomAD compares: Non-Finnish European, 0.00017%; no homozygotes.

Submissions (2):

Ambry Genetics
Classification: Uncertain significance for Cardiovascular phenotype; Hereditary cancer-predisposing syndrome. Last evaluated: 2025-05-27. Review status: criteria provided, single submitter. Criteria: Ambry Variant Classification Scheme 2023. Collection method: clinical testing. Allele origin: germline.
Comment: The p.A617E variant (also known as c.1850C>A), located in coding exon 17 of the NF1 gene, results from a C to A substitution at nucleotide position 1850. The alanine at codon 617 is replaced by glutamic acid, an amino acid with dissimilar properties. This amino acid position is conserved. In addition, this alteration is predicted to be tolerated by in silico analysis. Based on the available evidence, the clinical significance of this variant remains unclear.

Labcorp Genetics (formerly Invitae), Labcorp
Classification: Uncertain significance for Neurofibromatosis, type 1. Last evaluated: 2020-03-08. Review status: criteria provided, single submitter. Criteria: Invitae Variant Classification Sherloc (09022015). Collection method: clinical testing. Allele origin: germline.
Comment: In summary, the available evidence is currently insufficient to determine the role of this variant in disease. Therefore, it has been classified as a Variant of Uncertain Significance. Algorithms developed to predict the effect of missense changes on protein structure and function (SIFT, PolyPhen-2, Align-GVGD) all suggest that this variant is likely to be tolerated, but these predictions have not been confirmed by published functional studies and their clinical significance is uncertain. This sequence change replaces alanine with glutamic acid at codon 617 of the NF1 protein (p.Ala617Glu). The alanine residue is weakly conserved and there is a moderate physicochemical difference between alanine and glutamic acid. This variant is not present in population databases (ExAC no frequency). This variant has not been reported in the literature in individuals with NF1-related disease.

NM_001042492.3(NF1):c.1850C>A (p.Ala617Glu)

Gene: NF1 (neurofibromin 1; plus strand). Cytogenetic location: 17q11.2.
Variant type: single nucleotide variant.
Coding change: c.1850C>A on transcript NM_001042492.3 (MANE Select); coding-DNA position 1850, C replaced by A.
Protein change: p.Ala617Glu; replaces alanine 617 with glutamic acid.
Molecular consequence: missense variant.
Genome position (GRCh38, 1-based): chr17:31,225,099, C>A. VCF-style: chr17-31225099-C-A. GRCh37 (hg19) VCF-style: chr17-29552117-C-A.
Other names: c.1850C>A, p.Ala617Glu (NM_000267.4); short protein forms A617E.
Identifiers: ClinVar variation 642480 (VCV000642480.6), dbSNP rs1461412558, ClinGen allele CA399005020.